The following is an entry in ClinVar:

ClinVar aggregate classification (germline): Likely benign (1 of 4 stars; one submission).

Allele frequency attached by ClinVar (database versions not stated): TOPMed 0.00417; 1000 Genomes Project 30x 0.00453; 1000 Genomes Project 0.00499; gnomAD 0.00734 and 0.00737.
gnomAD v4.1: 1,113 of 152,296 alleles (0.73%); highest among the groups gnomAD compares: South Asian, 1%; 13 homozygotes.

Submission:

GeneDx
Classification: Likely benign. Last evaluated: 2018-06-19. Review status: criteria provided, single submitter. Criteria: GeneDx Variant Classification (06012015). Collection method: clinical testing. Allele origin: germline. Affected: yes.
Comment: This variant is considered likely benign or benign based on one or more of the following criteria: it is a conservative change, it occurs at a poorly conserved position in the protein, it is predicted to be benign by multiple in silico algorithms, and/or has population frequency not consistent with disease.

NM_006129.5(BMP1):c.1181-235C>T

Gene: BMP1 (bone morphogenetic protein 1; plus strand). Cytogenetic location: 8p21.3.
Variant type: single nucleotide variant.
Coding change: c.1181-235C>T on transcript NM_006129.5 (MANE Select); 235 bases into the intron before coding-DNA position 1181, C replaced by T.
Molecular consequence: intron variant.
Genome position (GRCh38, 1-based): chr8:22,193,823, C>T. VCF-style: chr8-22193823-C-T. GRCh37 (hg19) VCF-style: chr8-22051336-C-T.
Other names: c.1181-235C>T (NM_001199.4).
Identifiers: ClinVar variation 680994 (VCV000680994.1), dbSNP rs117087819, ClinGen allele CA12903641.